The following is an entry in ClinVar:

ClinVar aggregate classification (germline): Likely pathogenic (1 of 4 stars; one submission).

Conditions:
Nemaline myopathy 2 (NEM2). Also called: Nemaline myopathy 2, autosomal recessive. Identifiers: MedGen C1850569, MONDO:0009725, OMIM 256030.

Submission:

Natera, Inc.
Classification: Likely pathogenic for Nemaline myopathy type 2. Last evaluated: 2025-11-04. Review status: criteria provided, single submitter. Criteria: Natera Variant Classification Schema (03/2026). Collection method: clinical testing. Allele origin: germline.
Comment: The c.5884C>T variant in NEB is a nonsense variant predicted to introduce a stop codon at amino acid 1962. This variant is expected to result in nonsense mediated decay, truncation, or a dysfunctional protein product. This variant is rare in the general population with a frequency below the threshold expected for the associated phenotype(s). Given the available evidence, this variant is classified as Likely Pathogenic.

NM_001164508.2(NEB):c.5884C>T (p.Gln1962Ter)

Gene: NEB (nebulin; minus strand). Cytogenetic location: 2q23.3.
Variant type: single nucleotide variant.
Coding change: c.5884C>T on transcript NM_001164508.2 (MANE Select); coding-DNA position 5884, C replaced by T.
Protein change: p.Gln1962Ter; replaces glutamine 1962 with a stop codon.
Molecular consequence: nonsense.
Genome position (GRCh38, 1-based): chr2:151,662,221, G>A on the plus strand (C>T on the coding strand, the complement: NEB is on the minus strand). VCF-style: chr2-151662221-G-A. GRCh37 (hg19) VCF-style: chr2-152518735-G-A.
Other names: c.5884C>T, p.Gln1962Ter (NM_001164507.2, NM_001271208.2, NM_004543.5); short protein forms Q1962*.
Identifiers: ClinVar variation 4814779 (VCV004814779.1).